The following is an entry in ClinVar:

ClinVar aggregate classification (germline): Uncertain significance (1 of 4 stars; one submission).

Conditions:
COL11A1-related disorder. Also called: COL11A1-related condition; COL11A1-related disorders.

Submission:

PreventionGenetics, part of Exact Sciences
Classification: Uncertain significance for COL11A1-related condition. Last evaluated: 2023-07-14. Review status: criteria provided, single submitter. Criteria: ACMG Guidelines, 2015. Collection method: clinical testing. Allele origin: germline.
Comment: The COL11A1 c.125T>A variant is predicted to result in the amino acid substitution p.Leu42Gln. To our knowledge, this variant has not been reported in the literature or in a large population database, indicating this variant is rare. At this time, the clinical significance of this variant is uncertain due to the absence of conclusive functional and genetic evidence.

NM_001854.4(COL11A1):c.125T>A (p.Leu42Gln)

Gene: COL11A1 (collagen type XI alpha 1 chain; minus strand). Cytogenetic location: 1p21.1.
Variant type: single nucleotide variant.
Coding change: c.125T>A on transcript NM_001854.4 (MANE Select); coding-DNA position 125, T replaced by A.
Protein change: p.Leu42Gln; replaces leucine 42 with glutamine.
Molecular consequence: missense variant. On other transcripts: non-coding transcript variant (1).
Genome position (GRCh38, 1-based): chr1:103,082,954, A>T on the plus strand (T>A on the coding strand, the complement: COL11A1 is on the minus strand). VCF-style: chr1-103082954-A-T. GRCh37 (hg19) VCF-style: chr1-103548510-A-T.
Other names: c.125T>A, p.Leu42Gln (NM_001168249.1, NM_001190709.2, NM_080629.3 and 1 more transcripts); short protein forms L42Q.
Identifiers: ClinVar variation 2631219 (VCV002631219.1), dbSNP rs2526238537, ClinGen allele CA341168891.